The following is an entry in ClinVar:

NM_001256789.3(CACNA1F):c.2968G>C (p.Gly990Arg)

Gene: CACNA1F (calcium voltage-gated channel subunit alpha1 F; minus strand). Cytogenetic location: Xp11.23.
Variant type: single nucleotide variant.
Coding change: c.2968G>C on transcript NM_001256789.3 (MANE Select); coding-DNA position 2968, G replaced by C.
Protein change: p.Gly990Arg; replaces glycine 990 with arginine.
Molecular consequence: missense variant.
Genome position (GRCh38, 1-based): chrX:49,217,966, C>G on the plus strand (G>C on the coding strand, the complement: CACNA1F is on the minus strand). VCF-style: chrX-49217966-C-G. GRCh37 (hg19) VCF-style: chrX-49074425-C-G.
Other names: c.2806G>C, p.Gly936Arg (NM_001256790.3); c.3001G>C, p.Gly1001Arg (NM_005183.4); short protein forms G1001R, G990R, G936R.
Identifiers: ClinVar variation 1422605 (VCV001422605.8), dbSNP rs782473510, ClinGen allele CA412964472.
Genomic context (GRCh38, chrX:49,217,966, plus strand): 5'-GCTGCACCCCGATGCAGGCGAACATAAATTGCAGAAGTGTGGTGACAATCATGATGTTTC[C>G]GATGGTCCGGATGGCCACAAATACACACTGCACCACATGCTGCGGGCACCCAAGCATATG-3'
Protein context (NP_001243718.1, residues 980-1000): QCVFVAIRTI[Gly990Arg]NIMIVTTLLQ

ClinVar aggregate classification (germline): Uncertain significance (1 of 4 stars; one submission).

Submission:

Labcorp Genetics (formerly Invitae), Labcorp
Classification: Uncertain significance. Last evaluated: 2020-12-30. Review status: criteria provided, single submitter. Criteria: Invitae Variant Classification Sherloc (09022015). Collection method: clinical testing. Allele origin: germline.
Comment: This sequence change replaces glycine with arginine at codon 1001 of the CACNA1F protein (p.Gly1001Arg). The glycine residue is highly conserved and there is a moderate physicochemical difference between glycine and arginine. This variant is not present in population databases (ExAC no frequency). This variant has been observed in individual(s) with congenital stationary night blindness (PMID: 22735794). Algorithms developed to predict the effect of missense changes on protein structure and function (SIFT, PolyPhen-2, Align-GVGD) all suggest that this variant is likely to be disruptive, but these predictions have not been confirmed by published functional studies and their clinical significance is uncertain. In summary, the available evidence is currently insufficient to determine the role of this variant in disease. Therefore, it has been classified as a Variant of Uncertain Significance.

Literature cited by the submitters: PubMed 22735794.